The following is an entry in ClinVar:

ClinVar aggregate classification (germline): Uncertain significance (1 of 4 stars; one submission).

Conditions:
CYP11B2-related disorder.

Submission:

Clinical Biochemistry Laboratory, Health Services Laboratory
Classification: Uncertain significance for CYP11B2-related disorder. Last evaluated: 2023-11-20. Review status: criteria provided, single submitter. Criteria: ACMG Guidelines, 2015. Collection method: clinical testing. Allele origin: germline. Affected: yes.
Comment: ACMG:PM2 PP3 PP4

NM_000498.3(CYP11B2):c.1418T>A (p.Val473Glu)

Genes: CYP11B2 (cytochrome P450 family 11 subfamily B member 2; minus strand), LOC106799834 (CYP11B2 recombination region; plus strand). Cytogenetic location: 8q24.3.
Variant type: single nucleotide variant.
Coding change: c.1418T>A on transcript NM_000498.3 (MANE Select); coding-DNA position 1418, T replaced by A.
Protein change: p.Val473Glu; replaces valine 473 with glutamic acid.
Molecular consequence: missense variant.
Genome position (GRCh38, 1-based): chr8:142,912,074, A>T on the plus strand (T>A on the coding strand, the complement: CYP11B2 is on the minus strand). VCF-style: chr8-142912074-A-T. GRCh37 (hg19) VCF-style: chr8-143993490-A-T.
Other names: short protein forms V473E.
Identifiers: ClinVar variation 2674695 (VCV002674695.1), dbSNP rs2488697731, ClinGen allele CA372385501.